The following is an entry in ClinVar:

ClinVar aggregate classification (germline): Uncertain significance (1 of 4 stars; one submission).

Conditions:
Oculofaciocardiodental syndrome (MCOPS2). Identifiers: Orphanet 2712, MedGen C1846265, MONDO:0010261, OMIM 300166.

Allele frequency attached by ClinVar (database versions not stated): gnomAD exomes below 0.00001; gnomAD 0.00001; TOPMed 0.00001.

Submission:

Labcorp Genetics (formerly Invitae), Labcorp
Classification: Uncertain significance for Oculofaciocardiodental syndrome. Last evaluated: 2023-03-20. Review status: criteria provided, single submitter. Criteria: Invitae Variant Classification Sherloc (09022015). Collection method: clinical testing. Allele origin: germline.
Comment: In summary, the available evidence is currently insufficient to determine the role of this variant in disease. Therefore, it has been classified as a Variant of Uncertain Significance. An algorithm developed to predict the effect of missense changes on protein structure and function (PolyPhen-2) suggests that this variant is likely to be tolerated. This variant has not been reported in the literature in individuals affected with BCOR-related conditions. This variant is present in population databases (no rsID available, gnomAD 0.001%). This sequence change replaces arginine, which is basic and polar, with glutamine, which is neutral and polar, at codon 188 of the BCOR protein (p.Arg188Gln).

NM_001123385.2(BCOR):c.563G>A (p.Arg188Gln)

Genes: BCOR (BCL6 corepressor; minus strand), LOC126863239 (MED14-independent group 3 enhancer GRCh37_chrX:39932994-39934193; plus strand). Cytogenetic location: Xp11.4.
Variant type: single nucleotide variant.
Coding change: c.563G>A on transcript NM_001123385.2 (MANE Select); coding-DNA position 563, G replaced by A.
Protein change: p.Arg188Gln; replaces arginine 188 with glutamine.
Molecular consequence: missense variant.
Genome position (GRCh38, 1-based): chrX:40,074,783, C>T on the plus strand (G>A on the coding strand, the complement: BCOR is on the minus strand). VCF-style: chrX-40074783-C-T. GRCh37 (hg19) VCF-style: chrX-39934036-C-T.
Other names: c.563G>A, p.Arg188Gln (NM_001123383.2, NM_001123384.2, NM_017745.6); short protein forms R188Q.
Identifiers: ClinVar variation 2719073 (VCV002719073.3), dbSNP rs1193520270, ClinGen allele CA412748471.